The following is an entry in ClinVar:

ClinVar aggregate classification (germline): Pathogenic. Review status: criteria provided, multiple submitters, no conflicts (2 of 4 stars). 3 submissions from 3 submitters: Pathogenic (3). Last evaluated 2024-11-18.

Conditions:
Hereditary cancer-predisposing syndrome. Also called: Neoplastic Syndromes, Hereditary; Hereditary Cancer Syndrome; Hereditary neoplastic syndrome; Tumor predisposition. Identifiers: Orphanet 140162, MedGen C0027672, MeSH D009386, MONDO:0015356.
Familial adenomatous polyposis 1 (FAP1). Also called: POLYPOSIS, ADENOMATOUS INTESTINAL; FAMILIAL ADENOMATOUS POLYPOSIS 1, ATTENUATED. Identifiers: MedGen C2713442, MONDO:0021056, OMIM 175100. Disease mechanism: loss of function.

gnomAD v4.1: 1 of 1,614,214 alleles (0.000062%); highest among the groups gnomAD compares: Non-Finnish European, 0.000085%; no homozygotes.

Submissions (3):

Labcorp Genetics (formerly Invitae), Labcorp
Classification: Pathogenic for Familial adenomatous polyposis 1. Last evaluated: 2024-11-18. Review status: criteria provided, single submitter. Criteria: Invitae Variant Classification Sherloc (09022015). Collection method: clinical testing. Allele origin: germline.
Comment: This sequence change creates a premature translational stop signal (p.Lys90*) in the APC gene. It is expected to result in an absent or disrupted protein product. Loss-of-function variants in APC are known to be pathogenic (PMID: 17963004, 20685668). This variant is not present in population databases (gnomAD no frequency). This premature translational stop signal has been observed in individual(s) with suspected Lynch syndrome (PMID: 25980754). ClinVar contains an entry for this variant (Variation ID: 2561157). For these reasons, this variant has been classified as Pathogenic.

Ambry Genetics
Classification: Pathogenic for Hereditary cancer-predisposing syndrome. Last evaluated: 2023-05-01. Review status: criteria provided, single submitter. Criteria: Ambry Variant Classification Scheme 2023. Collection method: clinical testing. Allele origin: germline.
Comment: The p.K90* pathogenic mutation (also known as c.268A>T), located in coding exon 3 of the APC gene, results from an A to T substitution at nucleotide position 268. This changes the amino acid from a lysine to a stop codon within coding exon 3. This alteration was identified in a cohort of 1260 individuals undergoing panel testing for Lynch syndrome due to having a diagnosis of a Lynch-associated cancer and/or polyps (Yurgelun MB et al. Gastroenterology, 2015 Sep;149:604-13.e20). This alteration has been observed in at least one individual with a personal and/or family history that is consistent with APC-related disease (Ambry internal data). This variant is considered to be rare based on population cohorts in the Genome Aggregation Database (gnomAD). In addition to the clinical data presented in the literature, this alteration is expected to result in loss of function by premature protein truncation or nonsense-mediated mRNA decay. As such, this alteration is interpreted as a disease-causing mutation.

Myriad Genetics, Inc.
Classification: Pathogenic for Familial adenomatous polyposis 1. Last evaluated: 2023-04-25. Review status: criteria provided, single submitter. Criteria: Myriad Autosomal Dominant, Autosomal Recessive and X-Linked Classification Criteria (2023). Collection method: clinical testing. Allele origin: unknown.
Comment: This variant is considered pathogenic. This variant creates a termination codon and is predicted to result in premature protein truncation.

Literature cited by the submitters: PubMed 17963004 (cited by Labcorp Genetics (formerly Invitae), Labcorp); PubMed 20685668 (cited by Labcorp Genetics (formerly Invitae), Labcorp); PubMed 25980754 (cited by Labcorp Genetics (formerly Invitae), Labcorp and Ambry Genetics).

NM_000038.6(APC):c.268A>T (p.Lys90Ter)

Gene: APC (APC regulator of Wnt signaling pathway; plus strand). Cytogenetic location: 5q22.2.
Variant type: single nucleotide variant.
Coding change: c.268A>T on transcript NM_000038.6 (MANE Select); coding-DNA position 268, A replaced by T.
Protein change: p.Lys90Ter; replaces lysine 90 with a stop codon.
Molecular consequence: nonsense. On other transcripts: 5 prime UTR variant (4), non-coding transcript variant (2).
Genome position (GRCh38, 1-based): chr5:112,767,236, A>T. VCF-style: chr5-112767236-A-T. GRCh37 (hg19) VCF-style: chr5-112102933-A-T.
Other names: c.268A>T, p.Lys90Ter (NM_001127510.3, NM_001354895.2, NM_001354896.2 and 16 more transcripts); c.298A>T, p.Lys100Ter (NM_001127511.3, NM_001354897.2, NM_001354902.2 and 1 more transcripts); c.193A>T, p.Lys65Ter (NM_001354898.2, NM_001354904.2, NM_001407451.1); c.91A>T, p.Lys31Ter (NM_001354900.2, NM_001354901.2, NM_001354905.2 and 1 more transcripts); c.-768A>T (NM_001354906.2, NM_001407470.1, NM_001407471.1 and 1 more transcripts); short protein forms K31*, K65*, K100*, K90*.
Identifiers: ClinVar variation 2561157 (VCV002561157.6), dbSNP rs763184444, ClinGen allele CA16021923.